The following is an entry in ClinVar:

NM_002427.4(MMP13):c.803C>A (p.Pro268Gln)

Gene: MMP13 (matrix metallopeptidase 13; minus strand). Cytogenetic location: 11q22.2.
Variant type: single nucleotide variant.
Coding change: c.803C>A on transcript NM_002427.4 (MANE Select); coding-DNA position 803, C replaced by A.
Protein change: p.Pro268Gln; replaces proline 268 with glutamine.
Molecular consequence: missense variant.
Genome position (GRCh38, 1-based): chr11:102,950,224, G>T on the plus strand (C>A on the coding strand, the complement: MMP13 is on the minus strand). VCF-style: chr11-102950224-G-T. GRCh37 (hg19) VCF-style: chr11-102820953-G-T.
Other names: short protein forms P268Q.
Identifiers: ClinVar variation 1353577 (VCV001353577.9), dbSNP rs368628653, ClinGen allele CA6251876.
Genomic context (GRCh38, chr11:102,950,224, plus strand): 5'-AAGGAAGGGTCACATTTGTCTGGCGTTTTTGGATGTTTAGGGTTGGGGTCTTCATCTCCT[G>T]GACCTGTAGTCGTGAAAGGCAAGAGAGAAGTTATGAGTGTGACATTACTGATAACCTGAG-3'
Protein context (NP_002418.1, residues 258-278): DVQGIQSLYG[Pro268Gln]GDEDPNPKHP

ClinVar aggregate classification (germline): Uncertain significance. Review status: criteria provided, multiple submitters, no conflicts (2 of 4 stars). 2 submissions from 2 submitters: Uncertain significance (2). Last evaluated 2025-04-16.

Allele frequency attached by ClinVar (database versions not stated): gnomAD 0.00008; ESP Exome Variant Server 0.00015.
gnomAD v4.1: 77 of 1,610,458 alleles (0.0048%); highest among the groups gnomAD compares: Admixed American, 0.015%; no homozygotes.

Submissions (2):

Labcorp Genetics (formerly Invitae), Labcorp
Classification: Uncertain significance. Last evaluated: 2025-04-16. Review status: criteria provided, single submitter. Criteria: Invitae Variant Classification Sherloc (09022015). Collection method: clinical testing. Allele origin: germline.
Comment: This sequence change replaces proline, which is neutral and non-polar, with glutamine, which is neutral and polar, at codon 268 of the MMP13 protein (p.Pro268Gln). This variant is present in population databases (rs368628653, gnomAD 0.01%). This variant has not been reported in the literature in individuals affected with MMP13-related conditions. ClinVar contains an entry for this variant (Variation ID: 1353577). Invitae Evidence Modeling of protein sequence and biophysical properties (such as structural, functional, and spatial information, amino acid conservation, physicochemical variation, residue mobility, and thermodynamic stability) indicates that this missense variant is not expected to disrupt MMP13 protein function with a negative predictive value of 80%. In summary, the available evidence is currently insufficient to determine the role of this variant in disease. Therefore, it has been classified as a Variant of Uncertain Significance.

Blueprint Genetics
Classification: Uncertain significance. Last evaluated: 2022-08-29. Review status: criteria provided, single submitter. Criteria: ACMG Guidelines, 2015. Collection method: clinical testing. Allele origin: germline.